The following is an entry in ClinVar:

ClinVar aggregate classification (germline): Likely benign. Review status: criteria provided, multiple submitters, no conflicts (2 of 4 stars). 5 submissions from 5 submitters: Likely benign (4). 1 of the submissions does not count toward it. Last evaluated 2026-06-20.

Conditions:
Usher syndrome type 1F (USH1F). Also called: USHER SYNDROME, TYPE IF. Identifiers: Orphanet 231169, Orphanet 886, MedGen C1865885, MONDO:0011186, OMIM 602083.
PCDH15-related disorder. Also called: PCDH15-related condition; PCDH15-related disorders.

Allele frequency attached by ClinVar (database versions not stated): TOPMed 0.00003; 1000 Genomes Project 30x 0.00031.
gnomAD v4.1: 34 of 1,612,966 alleles (0.0021%); highest among the groups gnomAD compares: Middle Eastern, 0.017%; no homozygotes.

Submissions (5):

PreventionGenetics, part of Exact Sciences
Classification: Likely benign for PCDH15-related condition. Last evaluated: 2026-06-20. Review status: criteria provided, single submitter. Criteria: ACMG Guidelines, 2015. Collection method: clinical testing. Allele origin: germline.
Comment: This variant is classified as likely benign based on ACMG/AMP sequence variant interpretation guidelines (Richards et al. 2015 PMID: 25741868, with internal and published modifications).

Labcorp Genetics (formerly Invitae), Labcorp
Classification: Likely benign. Last evaluated: 2023-12-09. Review status: criteria provided, single submitter. Criteria: Invitae Variant Classification Sherloc (09022015). Collection method: clinical testing. Allele origin: germline.

Blueprint Genetics
Classification: Likely benign. Last evaluated: 2023-06-05. Review status: criteria provided, single submitter. Criteria: ACMG Guidelines, 2015. Collection method: clinical testing. Allele origin: germline.

GeneDx
Classification: Likely benign. Last evaluated: 2020-11-06. Review status: criteria provided, single submitter. Criteria: GeneDx Variant Classification Process June 2021. Collection method: clinical testing. Allele origin: germline. Affected: yes.

Natera, Inc.
Classification: Likely benign for Usher syndrome type 1F. Last evaluated: 2020-01-10. Review status: no assertion criteria provided. Collection method: clinical testing. Allele origin: germline. Not counted in ClinVar's aggregate classification.

NM_001384140.1(PCDH15):c.3450C>T (p.Ile1150=)

Gene: PCDH15 (protocadherin related 15; minus strand). Cytogenetic location: 10q21.1.
Variant type: single nucleotide variant.
Coding change: c.3450C>T on transcript NM_001384140.1 (MANE Select); coding-DNA position 3450, C replaced by T.
Protein change: p.Ile1150=; no amino-acid change (isoleucine 1150 retained).
Molecular consequence: synonymous variant.
Genome position (GRCh38, 1-based): chr10:53,903,294, G>A on the plus strand (C>T on the coding strand, the complement: PCDH15 is on the minus strand). VCF-style: chr10-53903294-G-A. GRCh37 (hg19) VCF-style: chr10-55663054-G-A.
Other names: c.3465C>T, p.Ile1155= (NM_001142763.2, NM_001142771.2); c.3450C>T, p.Ile1150= (NM_001142764.2, NM_001142766.2, NM_001142770.3 and 4 more transcripts); c.3237C>T, p.Ile1079= (NM_001142765.2); c.3339C>T, p.Ile1113= (NM_001142767.2); c.3384C>T, p.Ile1128= (NM_001142768.2, NM_001142773.2, NM_001354404.2); c.3486C>T, p.Ile1162= (NM_001142769.4); c.3471C>T, p.Ile1157= (NM_001354411.2).
Identifiers: ClinVar variation 751292 (VCV000751292.15), dbSNP rs146374856, ClinGen allele CA5505666.
Genomic context (GRCh38, chr10:53,903,294, plus strand): 5'-TCCGCATACCTTCACTCTGAGTACAGAAGTAAACATTCTTGCATCTTCAGATACACCTCC[G>A]ATGTAGAATTTTTTCTGAAACACTGGGGGATGATTATTTTCATCCTGAATCTCAATGTAT-3'
Protein context (NP_001371069.1, residues 1140-1160): HPPVFQKKFY[Ile1150=]GGVSEDARMF